The following is an entry in ClinVar:

NM_000143.4(FH):c.712G>C (p.Asp238His)

Gene: FH (fumarate hydratase; minus strand). Cytogenetic location: 1q43.
Variant type: single nucleotide variant.
Coding change: c.712G>C on transcript NM_000143.4 (MANE Select); coding-DNA position 712, G replaced by C.
Protein change: p.Asp238His; replaces aspartic acid 238 with histidine.
Molecular consequence: missense variant.
Genome position (GRCh38, 1-based): chr1:241,508,629, C>G on the plus strand (G>C on the coding strand, the complement: FH is on the minus strand). VCF-style: chr1-241508629-C-G. GRCh37 (hg19) VCF-style: chr1-241671929-C-G.
Other names: short protein forms D238H.
Identifiers: ClinVar variation 1757309 (VCV001757309.9), dbSNP rs1659989676, ClinGen allele CA345439195.

ClinVar aggregate classification (germline): Pathogenic/Likely pathogenic. Review status: criteria provided, multiple submitters, no conflicts (2 of 4 stars). 3 submissions from 3 submitters: Pathogenic (1); Likely pathogenic (2). Last evaluated 2024-09-06.

Conditions:
Hereditary cancer-predisposing syndrome. Also called: Neoplastic Syndromes, Hereditary; Tumor predisposition; Hereditary Cancer Syndrome; Hereditary neoplastic syndrome. Identifiers: Orphanet 140162, MedGen C0027672, MeSH D009386, MONDO:0015356.
Hereditary leiomyomatosis and renal cell cancer. Also called: MULTIPLE CUTANEOUS AND UTERINE LEIOMYOMATA 1, WITH OR WITHOUT RENAL CELL CARCINOMA; LEIOMYOMA, MULTIPLE CUTANEOUS; Reed syndrome; Multiple cutaneous and uterine leiomyomatosis; Cutaneous leiomyomata with uterine leiomyomata; Leiomyoma, hereditary multiple, of skin. Identifiers: Orphanet 523, MedGen C1708350, MONDO:0007888, OMIM 150800, HP:0007437. Disease mechanism: loss of function.

Submissions (3):

Labcorp Genetics (formerly Invitae), Labcorp
Classification: Pathogenic. Last evaluated: 2024-09-06. Review status: criteria provided, single submitter. Criteria: Invitae Variant Classification Sherloc (09022015). Collection method: clinical testing. Allele origin: germline.
Comment: This sequence change replaces aspartic acid, which is acidic and polar, with histidine, which is basic and polar, at codon 238 of the FH protein (p.Asp238His). This variant is not present in population databases (gnomAD no frequency). This missense change has been observed in individual(s) with clinical features of hereditary leiomyomatosis and renal cell cancer (internal data). ClinVar contains an entry for this variant (Variation ID: 1757309). Invitae Evidence Modeling of protein sequence and biophysical properties (such as structural, functional, and spatial information, amino acid conservation, physicochemical variation, residue mobility, and thermodynamic stability) indicates that this missense variant is expected to disrupt FH protein function with a positive predictive value of 95%. Experimental studies have shown that this missense change affects FH function (PMID: 35216667). This variant disrupts the p.Asp238 amino acid residue in FH. Other variant(s) that disrupt this residue have been determined to be pathogenic (internal data). This suggests that this residue is clinically significant, and that variants that disrupt this residue are likely to be disease-causing. For these reasons, this variant has been classified as Pathogenic.

Ambry Genetics
Classification: Likely pathogenic for Hereditary cancer-predisposing syndrome. Last evaluated: 2024-08-22. Review status: criteria provided, single submitter. Criteria: Ambry Variant Classification Scheme 2023. Collection method: clinical testing. Allele origin: germline.
Comment: The p.D238H variant (also known as c.712G>C), located in coding exon 5 of the FH gene, results from a G to C substitution at nucleotide position 712. The aspartic acid at codon 238 is replaced by histidine, an amino acid with similar properties. This variant has been reported in multiple individuals with features consistent with FH-associated disease (Jikuya R et al. iScience . 2022 Jun;25(6):104463; Ambry internal data; external communication). One functional study has reported that this variant impaired binding to fumarate and led to higher levels of AKT activation (Ge X et al. Mol Cell. 2022 Apr;82(7):1249-1260.e7). This variant is considered to be rare based on population cohorts in the Genome Aggregation Database (gnomAD). This amino acid position is highly conserved in available vertebrate species. In addition, this alteration is predicted to be deleterious by in silico analysis. Based on the majority of available evidence to date, this variant is likely to be pathogenic.

Myriad Genetics, Inc.
Classification: Likely pathogenic for Hereditary leiomyomatosis and renal cell cancer. Last evaluated: 2023-01-31. Review status: criteria provided, single submitter. Criteria: Myriad Autosomal Dominant, Autosomal Recessive and X-Linked Classification Criteria (2023). Collection method: clinical testing. Allele origin: unknown.
Comment: This variant is considered likely pathogenic. This variant has been reported in multiple individuals with clinical features of gene-specific disease [PMID: 35216667, 35874919, Myriad internal data]. Functional studies indicate this variant impacts protein function [PMID: 35216667]. This variant is expected to disrupt protein structure [internal Myriad data].

Literature cited by the submitters: PubMed 35216667 (cited by 3 submitters); PubMed 35874919 (cited by Ambry Genetics and Myriad Genetics, Inc.).